The following is an entry in ClinVar:

NC_000007.13:g.(?_151832009)_(151960216_151962122)dup

Gene: KMT2C (lysine methyltransferase 2C; minus strand). Cytogenetic location: 7q36.1.
Variant type: Duplication.
Identifiers: ClinVar variation 2445710 (VCV002445710.1).

ClinVar aggregate classification (germline): Uncertain significance (1 of 4 stars; one submission).

Submission:

Women's Health and Genetics/Laboratory Corporation of America, LabCorp
Classification: Uncertain significance. Last evaluated: 2023-02-28. Review status: criteria provided, single submitter. Criteria: LabCorp Variant Classification Summary - May 2015. Collection method: clinical testing. Allele origin: germline.
Comment: Variant summary: The variant identified by MLPA or other technology involves the duplication of exons 9-59 in the KMT2C gene. A presumed nomenclature of c.(1184+1_1185-1)_(*1908_?)dup has been designated for the purposes of this classification. It has been assumed that this is a tandem duplication in direct orientation (Richardson_GIM_2018, Newman_AJHG_2015). Although exact breakpoints of this CNV are not known, it is expected to result in a large duplication change, including the last exon in the KMT2C gene. The variant allele was found at a frequency of 0.00023 in 21694 control chromosomes (gnomAD, Structural Variants dataset). The available data on variant occurrences in the general population are insufficient to allow any conclusion about variant significance. To our knowledge, no occurrence of c.(1184+1_1185-1)_(*1908_?)dup in individuals affected with Kleefstra Syndrome 2 and no experimental evidence demonstrating its impact on protein function have been reported. One clinical diagnostic laboratory has submitted clinical-significance assessments for this variant to ClinVar after 2014 and classified the variant as uncertain significance. Based on the evidence outlined above, the variant was classified as uncertain significance.